The following is an entry in ClinVar:

GRCh37/hg19 2p14-13.3(chr2:67491378-69679404)

Genes: ANTXR1 (ANTXR cell adhesion molecule 1; plus strand), APLF (aprataxin and PNKP like factor; plus strand), ARHGAP25 (Rho GTPase activating protein 25; plus strand), BMP10 (bone morphogenetic protein 10; minus strand), C1D (C1D nuclear receptor corepressor; minus strand) and 12 more. Cytogenetic location: 2p14-13.3.
Variant type: copy number loss.
Identifiers: ClinVar variation 625545 (VCV000625545.1).

ClinVar aggregate classification (germline): Pathogenic (1 of 4 stars; one submission).

Submission:

Baylor Genetics
Classification: Pathogenic. Last evaluated: 2018-11-01. Review status: criteria provided, single submitter. Criteria: ACMG CNV Guidelines, 2011. Collection method: clinical testing. Allele origin: de novo. Observed: 1 variant allele.